The following is an entry in ClinVar:

NM_177438.3(DICER1):c.2854A>C (p.Thr952Pro)

Gene: DICER1 (dicer 1, ribonuclease III; minus strand). Cytogenetic location: 14q32.13.
Variant type: single nucleotide variant.
Coding change: c.2854A>C on transcript NM_177438.3 (MANE Select); coding-DNA position 2854, A replaced by C.
Protein change: p.Thr952Pro; replaces threonine 952 with proline.
Molecular consequence: missense variant. On other transcripts: non-coding transcript variant (6).
Genome position (GRCh38, 1-based): chr14:95,106,174, T>G on the plus strand (A>C on the coding strand, the complement: DICER1 is on the minus strand). VCF-style: chr14-95106174-T-G. GRCh37 (hg19) VCF-style: chr14-95572511-T-G.
Other names: c.2854A>C, p.Thr952Pro (NM_001195573.1, NM_001271282.3, NM_001291628.2 and 13 more transcripts); c.2572A>C, p.Thr858Pro (NM_001395686.1); c.2449A>C, p.Thr817Pro (NM_001395687.1, NM_001395688.1, NM_001395689.1 and 2 more transcripts); c.2287A>C, p.Thr763Pro (NM_001395691.1); c.1171A>C, p.Thr391Pro (NM_001395697.1); short protein forms T763P, T391P, T858P, T952P, T817P.
Identifiers: ClinVar variation 1796869 (VCV001796869.8), dbSNP rs1060503636, ClinGen allele CA390879151.

ClinVar aggregate classification (germline): Uncertain significance. Review status: criteria provided, multiple submitters, no conflicts (2 of 4 stars). 2 submissions from 2 submitters: Uncertain significance (2). Last evaluated 2025-02-21.

Conditions:
DICER1-related tumor predisposition. Also called: DICER1-related pleuropulmonary blastoma cancer predisposition syndrome; DICER1 syndrome. Identifiers: Orphanet 284343, MedGen C3839822, MONDO:0100216.
Hereditary cancer-predisposing syndrome. Also called: Neoplastic Syndromes, Hereditary; Tumor predisposition; Hereditary neoplastic syndrome; Hereditary Cancer Syndrome. Identifiers: Orphanet 140162, MedGen C0027672, MeSH D009386, MONDO:0015356.

Submissions (2):

Ambry Genetics
Classification: Uncertain significance for Hereditary cancer-predisposing syndrome. Last evaluated: 2025-02-21. Review status: criteria provided, single submitter. Criteria: Ambry Variant Classification Scheme 2023. Collection method: clinical testing. Allele origin: germline.
Comment: The p.T952P variant (also known as c.2854A>C), located in coding exon 17 of the DICER1 gene, results from an A to C substitution at nucleotide position 2854. The threonine at codon 952 is replaced by proline, an amino acid with highly similar properties. This amino acid position is highly conserved in available vertebrate species. In addition, the in silico prediction for this alteration is inconclusive. Since supporting evidence is limited at this time, the clinical significance of this alteration remains unclear.

Labcorp Genetics (formerly Invitae), Labcorp
Classification: Uncertain significance for DICER1-related tumor predisposition. Last evaluated: 2024-09-15. Review status: criteria provided, single submitter. Criteria: Invitae Variant Classification Sherloc (09022015). Collection method: clinical testing. Allele origin: germline.
Comment: This sequence change replaces threonine, which is neutral and polar, with proline, which is neutral and non-polar, at codon 952 of the DICER1 protein (p.Thr952Pro). This variant is not present in population databases (gnomAD no frequency). This variant has not been reported in the literature in individuals affected with DICER1-related conditions. ClinVar contains an entry for this variant (Variation ID: 1796869). Invitae Evidence Modeling of protein sequence and biophysical properties (such as structural, functional, and spatial information, amino acid conservation, physicochemical variation, residue mobility, and thermodynamic stability) indicates that this missense variant is not expected to disrupt DICER1 protein function with a negative predictive value of 80%. In summary, the available evidence is currently insufficient to determine the role of this variant in disease. Therefore, it has been classified as a Variant of Uncertain Significance.